The following is an entry in ClinVar:

ClinVar aggregate classification (germline): Conflicting classifications of pathogenicity. Review status: criteria provided, conflicting classifications (1 of 4 stars). 2 submissions from 2 submitters: Uncertain significance (1); Likely benign (1). Last evaluated 2025-09-14.

Conditions:
Tumor predisposition syndrome 3 (TPDS3). Also called: Glioma susceptibility 9; LONG TELOMERE SYNDROME, POT1-RELATED; POT1 Tumor Predisposition; Melanoma, cutaneous malignant, susceptibility to, 10. Identifiers: Orphanet 618, MedGen C4014476, MONDO:0014368, OMIM 615848.
Hereditary cancer-predisposing syndrome. Also called: Hereditary neoplastic syndrome; Hereditary Cancer Syndrome; Neoplastic Syndromes, Hereditary; Tumor predisposition. Identifiers: Orphanet 140162, MedGen C0027672, MeSH D009386, MONDO:0015356.

Allele frequency attached by ClinVar (database versions not stated): gnomAD exomes below 0.00001.
gnomAD v4.1: 1 of 1,605,502 alleles (0.000062%); highest among the groups gnomAD compares: Non-Finnish European, 0.000085%; no homozygotes.

Submissions (2):

Labcorp Genetics (formerly Invitae), Labcorp
Classification: Uncertain significance for Tumor predisposition syndrome 3. Last evaluated: 2025-09-14. Review status: criteria provided, single submitter. Criteria: Invitae Variant Classification Sherloc (09022015). Collection method: clinical testing. Allele origin: germline.
Comment: This sequence change replaces glutamic acid, which is acidic and polar, with lysine, which is basic and polar, at codon 325 of the POT1 protein (p.Glu325Lys). This variant is not present in population databases (gnomAD no frequency). This variant has not been reported in the literature in individuals affected with POT1-related conditions. ClinVar contains an entry for this variant (Variation ID: 486154). Invitae Evidence Modeling of protein sequence and biophysical properties (such as structural, functional, and spatial information, amino acid conservation, physicochemical variation, residue mobility, and thermodynamic stability) indicates that this missense variant is not expected to disrupt POT1 protein function with a negative predictive value of 80%. In summary, the available evidence is currently insufficient to determine the role of this variant in disease. Therefore, it has been classified as a Variant of Uncertain Significance.

Ambry Genetics
Classification: Likely benign for Hereditary cancer-predisposing syndrome. Last evaluated: 2024-03-26. Review status: criteria provided, single submitter. Criteria: Ambry Variant Classification Scheme 2023. Collection method: clinical testing. Allele origin: germline.

NM_015450.3(POT1):c.973G>A (p.Glu325Lys)

Gene: POT1 (protection of telomeres 1; minus strand). Cytogenetic location: 7q31.33.
Variant type: single nucleotide variant.
Coding change: c.973G>A on transcript NM_015450.3 (MANE Select); coding-DNA position 973, G replaced by A.
Protein change: p.Glu325Lys; replaces glutamic acid 325 with lysine.
Molecular consequence: missense variant. On other transcripts: non-coding transcript variant (3).
Genome position (GRCh38, 1-based): chr7:124,846,975, C>T on the plus strand (G>A on the coding strand, the complement: POT1 is on the minus strand). VCF-style: chr7-124846975-C-T. GRCh37 (hg19) VCF-style: chr7-124487029-C-T.
Other names: c.580G>A, p.Glu194Lys (NM_001042594.2); short protein forms E325K, E194K.
Identifiers: ClinVar variation 486154 (VCV000486154.16), dbSNP rs1554421987, ClinGen allele CA369053785.